The following is an entry in ClinVar:

ClinVar aggregate classification (germline): Uncertain significance (1 of 4 stars; one submission).

Conditions:
Osteogenesis imperfecta type I (OI1). Also called: Lobstein's Disease; OI, TYPE I; OSTEOGENESIS IMPERFECTA TARDA; OSTEOGENESIS IMPERFECTA WITH BLUE SCLERAE; Osteogenesis imperfecta type 1; Lobstein disease. Identifiers: Orphanet 216796, Orphanet 666, MedGen C0023931, MONDO:0008146, OMIM 166200. Disease mechanism: loss of function.

Submission:

Labcorp Genetics (formerly Invitae), Labcorp
Classification: Uncertain significance for Osteogenesis imperfecta type I. Last evaluated: 2023-07-09. Review status: criteria provided, single submitter. Criteria: Invitae Variant Classification Sherloc (09022015). Collection method: clinical testing. Allele origin: germline.
Comment: In summary, the available evidence is currently insufficient to determine the role of this variant in disease. Therefore, it has been classified as a Variant of Uncertain Significance. Advanced modeling of protein sequence and biophysical properties (such as structural, functional, and spatial information, amino acid conservation, physicochemical variation, residue mobility, and thermodynamic stability) has been performed at Invitae for this missense variant, however the output from this modeling did not meet the statistical confidence thresholds required to predict the impact of this variant on COL1A1 protein function. This variant has not been reported in the literature in individuals affected with COL1A1-related conditions. This variant is not present in population databases (gnomAD no frequency). This sequence change replaces alanine, which is neutral and non-polar, with glycine, which is neutral and non-polar, at codon 517 of the COL1A1 protein (p.Ala517Gly).

NM_000088.4(COL1A1):c.1550C>G (p.Ala517Gly)

Gene: COL1A1 (collagen type I alpha 1 chain; minus strand). Cytogenetic location: 17q21.33.
Variant type: single nucleotide variant.
Coding change: c.1550C>G on transcript NM_000088.4 (MANE Select); coding-DNA position 1550, C replaced by G.
Protein change: p.Ala517Gly; replaces alanine 517 with glycine.
Molecular consequence: missense variant.
Genome position (GRCh38, 1-based): chr17:50,194,413, G>C on the plus strand (C>G on the coding strand, the complement: COL1A1 is on the minus strand). VCF-style: chr17-50194413-G-C. GRCh37 (hg19) VCF-style: chr17-48271774-G-C.
Other names: short protein forms A517G.
Identifiers: ClinVar variation 2892220 (VCV002892220.3), dbSNP rs1907378945, ClinGen allele CA400216768.